The following is an entry in ClinVar:

ClinVar aggregate classification (germline): Uncertain significance. Review status: criteria provided, multiple submitters, no conflicts (2 of 4 stars). 3 submissions from 3 submitters: Uncertain significance (3). Last evaluated 2025-01-16.

Conditions:
Hereditary cancer-predisposing syndrome. Also called: Hereditary Cancer Syndrome; Neoplastic Syndromes, Hereditary; Tumor predisposition; Hereditary neoplastic syndrome. Identifiers: Orphanet 140162, MedGen C0027672, MeSH D009386, MONDO:0015356.
Hereditary diffuse gastric adenocarcinoma (HDGC). Also called: DIFFUSE GASTRIC AND LOBULAR BREAST CANCER SYNDROME. Identifiers: Orphanet 26106, MedGen C1708349, MONDO:0007648, OMIM 137215.

Allele frequency attached by ClinVar (database versions not stated): gnomAD 0.00001.
gnomAD v4.1: 2 of 1,613,932 alleles (0.00012%); no homozygotes.

Submissions (3):

Labcorp Genetics (formerly Invitae), Labcorp
Classification: Uncertain significance for Hereditary diffuse gastric adenocarcinoma. Last evaluated: 2025-01-16. Review status: criteria provided, single submitter. Criteria: Invitae Variant Classification Sherloc (09022015). Collection method: clinical testing. Allele origin: germline.
Comment: This sequence change replaces leucine, which is neutral and non-polar, with phenylalanine, which is neutral and non-polar, at codon 619 of the CDH1 protein (p.Leu619Phe). This variant is present in population databases (no rsID available, gnomAD 0.03%). This variant has not been reported in the literature in individuals affected with CDH1-related conditions. ClinVar contains an entry for this variant (Variation ID: 231554). An algorithm developed to predict the effect of missense changes on protein structure and function (PolyPhen-2) suggests that this variant is likely to be disruptive. In summary, the available evidence is currently insufficient to determine the role of this variant in disease. Therefore, it has been classified as a Variant of Uncertain Significance.

Color Diagnostics, LLC DBA Color Health
Classification: Uncertain significance for Hereditary cancer-predisposing syndrome. Last evaluated: 2023-12-05. Review status: criteria provided, single submitter. Criteria: ACMG Guidelines, 2015. Collection method: clinical testing. Allele origin: germline.
Comment: This missense variant replaces leucine with phenylalanine at codon 619 of the CDH1 protein. To our knowledge, functional studies have not been reported for this variant. This variant has not been reported in individuals affected with CDH1-related disorders in the literature. This variant has been identified in 1/31392 chromosomes in the general population by the Genome Aggregation Database (gnomAD). The available evidence is insufficient to determine the role of this variant in disease conclusively. Therefore, this variant is classified as a Variant of Uncertain Significance.

Ambry Genetics
Classification: Uncertain significance for Hereditary cancer-predisposing syndrome. Last evaluated: 2015-04-28. Review status: criteria provided, single submitter. Criteria: Ambry Variant Classification Scheme 2023. Collection method: clinical testing. Allele origin: germline.
Comment: The p.L619F variant (also known as c.1855C>T), located in coding exon 12 of the CDH1 gene, results from a C to T substitution at nucleotide position 1855. The leucine at codon 619 is replaced by phenylalanine, an amino acid with highly similar properties. This variant was not reported in population based cohorts in the following databases: Database of Single Nucleotide Polymorphisms (dbSNP), NHLBI Exome Sequencing Project (ESP), and 1000 Genomes Project. In the ESP, this variant was not observed in 6498 samples (12996 alleles) with coverage at this position. To date, this alteration has been detected with an allele frequency of approximately 0.001% (greater than 105000 alleles tested) in our clinical cohort. This amino acid position is well conserved in available vertebrate species. In addition, this alteration is predicted to be tolerated by in silico analysis. Since supporting evidence for this variant is limited at this time, the clinical significance of p.L619F remains unclear.

NM_004360.5(CDH1):c.1855C>T (p.Leu619Phe)

Gene: CDH1 (cadherin 1; plus strand). Cytogenetic location: 16q22.1.
Variant type: single nucleotide variant.
Coding change: c.1855C>T on transcript NM_004360.5 (MANE Select); coding-DNA position 1855, C replaced by T.
Protein change: p.Leu619Phe; replaces leucine 619 with phenylalanine.
Molecular consequence: missense variant. On other transcripts: 5 prime UTR variant (1).
Genome position (GRCh38, 1-based): chr16:68,822,144, C>T. VCF-style: chr16-68822144-C-T. GRCh37 (hg19) VCF-style: chr16-68856047-C-T.
Other names: c.1855C>T (LRG_301t1); c.1672C>T, p.Leu558Phe (NM_001317184.2); c.307C>T, p.Leu103Phe (NM_001317185.2); c.-111C>T (NM_001317186.2); short protein forms L619F, L103F, L558F.
Identifiers: ClinVar variation 231554 (VCV000231554.12), dbSNP rs876659221, ClinGen allele CA10580134.